The following is an entry in ClinVar:

NM_005726.6(TSFM):c.322G>A (p.Gly108Arg)

Gene: TSFM (Ts translation elongation factor, mitochondrial; plus strand). Cytogenetic location: 12q14.1.
Variant type: single nucleotide variant.
Coding change: c.322G>A on transcript NM_005726.6 (MANE Select); coding-DNA position 322, G replaced by A.
Protein change: p.Gly108Arg; replaces glycine 108 with arginine.
Molecular consequence: missense variant.
Genome position (GRCh38, 1-based): chr12:57,786,253, G>A. VCF-style: chr12-57786253-G-A. GRCh37 (hg19) VCF-style: chr12-58180036-G-A.
Other names: c.322G>A, p.Gly108Arg (NM_001172695.2, NM_001172696.2, NM_001172697.2); short protein forms G108R.
Identifiers: ClinVar variation 883316 (VCV000883316.10), dbSNP rs374679403, ClinGen allele CA6659319.
Genomic context (GRCh38, chr12:57,786,253, plus strand): 5'-AAGGAGGGCTGGAGCAAAGCTGCCAAGCTCCAAGGGAGGAAGACCAAAGAAGGCCTGATT[G>A]GGCTGTTGCAGGAAGGAAACACAACTGTATTAGTAGAGGTGAGTTGTTGGAAATTCCAGA-3'
Protein context (NP_005717.3, residues 98-118): QGRKTKEGLI[Gly108Arg]LLQEGNTTVL

ClinVar aggregate classification (germline): Uncertain significance. Review status: criteria provided, multiple submitters, no conflicts (2 of 4 stars). 3 submissions from 3 submitters: Uncertain significance (3). Last evaluated 2022-08-07.

Conditions:
Fatal mitochondrial disease due to combined oxidative phosphorylation defect type 3. Also called: Combined oxidative phosphorylation deficiency 3; ENCEPHALOMYOPATHY, RESPIRATORY FAILURE, AND LACTIC ACIDOSIS. Identifiers: Orphanet 168566, MedGen C1864840, MONDO:0012512, OMIM 610505.

Allele frequency attached by ClinVar (database versions not stated): gnomAD exomes below 0.00001 and 0.00002; ExAC 0.00001; TOPMed 0.00001; gnomAD 0.00002; ESP Exome Variant Server 0.00008.
gnomAD v4.1: 27 of 1,612,194 alleles (0.0017%); highest among the groups gnomAD compares: Non-Finnish European, 0.0021%; no homozygotes.

Submissions (3):

Labcorp Genetics (formerly Invitae), Labcorp
Classification: Uncertain significance. Last evaluated: 2022-08-07. Review status: criteria provided, single submitter. Criteria: Invitae Variant Classification Sherloc (09022015). Collection method: clinical testing. Allele origin: germline.
Comment: This sequence change replaces glycine, which is neutral and non-polar, with arginine, which is basic and polar, at codon 108 of the TSFM protein (p.Gly108Arg). The frequency data for this variant in the population databases is considered unreliable, as metrics indicate poor data quality at this position in the gnomAD database. This variant has not been reported in the literature in individuals affected with TSFM-related conditions. ClinVar contains an entry for this variant (Variation ID: 883316). Algorithms developed to predict the effect of missense changes on protein structure and function (SIFT, PolyPhen-2, Align-GVGD) all suggest that this variant is likely to be disruptive. In summary, the available evidence is currently insufficient to determine the role of this variant in disease. Therefore, it has been classified as a Variant of Uncertain Significance.

Revvity Omics, Revvity
Classification: Uncertain significance for Fatal mitochondrial disease due to combined oxidative phosphorylation defect type 3. Last evaluated: 2022-07-21. Review status: criteria provided, single submitter. Criteria: ACMG Guidelines, 2015. Collection method: clinical testing. Allele origin: germline.

Illumina Laboratory Services, Illumina
Classification: Uncertain significance for Fatal mitochondrial disease due to combined oxidative phosphorylation defect type 3. Last evaluated: 2018-01-13. Review status: criteria provided, single submitter. Criteria: ICSL Variant Classification Criteria 13 December 2019. Collection method: clinical testing. Allele origin: germline.